The following is an entry in ClinVar:

ClinVar aggregate classification (germline): Uncertain significance. Review status: criteria provided, single submitter (1 of 4 stars). 2 submissions from 2 submitters: Uncertain significance (1). 1 of the submissions does not count toward it. Last evaluated 2025-03-19.

Conditions:
Epilepsy, childhood absence, susceptibility to, 6. Identifiers: Orphanet 64280, MedGen C2749872, MONDO:0012763, OMIM 611942.
Idiopathic generalized epilepsy. Also called: EIG; Generalised epilepsy. Identifiers: MedGen C0270850, MONDO:0005579, OMIM 600669.
Hyperaldosteronism, familial, type IV (HALD4). Also called: FH IV; ALDOSTERONISM, PRIMARY, AND HYPERTENSION. Identifiers: Orphanet 642671, MedGen C4310756, MONDO:0014875, OMIM 617027.

Allele frequency attached by ClinVar (database versions not stated): gnomAD 0.00001 and 0.00002; gnomAD exomes 0.00001 and 0.00005; TOPMed 0.00003; ExAC 0.00005.
gnomAD v4.1: 22 of 1,608,146 alleles (0.0014%); highest among the groups gnomAD compares: Non-Finnish European, 0.0017%; no homozygotes.

Submissions (2):

Labcorp Genetics (formerly Invitae), Labcorp
Classification: Uncertain significance for Idiopathic generalized epilepsy; Hyperaldosteronism, familial, type IV. Last evaluated: 2025-03-19. Review status: criteria provided, single submitter. Criteria: Invitae Variant Classification Sherloc (09022015). Collection method: clinical testing. Allele origin: germline.
Comment: This sequence change replaces histidine, which is basic and polar, with tyrosine, which is neutral and polar, at codon 1617 of the CACNA1H protein (p.His1617Tyr). This variant is present in population databases (rs776165690, gnomAD 0.009%). This variant has not been reported in the literature in individuals affected with CACNA1H-related conditions. ClinVar contains an entry for this variant (Variation ID: 969896). Invitae Evidence Modeling of protein sequence and biophysical properties (such as structural, functional, and spatial information, amino acid conservation, physicochemical variation, residue mobility, and thermodynamic stability) indicates that this missense variant is not expected to disrupt CACNA1H protein function with a negative predictive value of 80%. In summary, the available evidence is currently insufficient to determine the role of this variant in disease. Therefore, it has been classified as a Variant of Uncertain Significance.

Zotz-Klimas Genetics Lab, MVZ Zotz Klimas
Classification: Uncertain significance for Epilepsy, childhood absence, susceptibility to, 6. Last evaluated: 2023-10-30. Review status: no assertion criteria provided. Collection method: clinical testing. Allele origin: germline. Affected: yes. Not counted in ClinVar's aggregate classification.

NM_021098.3(CACNA1H):c.4849C>T (p.His1617Tyr)

Gene: CACNA1H (calcium voltage-gated channel subunit alpha1 H; plus strand). Cytogenetic location: 16p13.3.
Variant type: single nucleotide variant.
Coding change: c.4849C>T on transcript NM_021098.3 (MANE Select); coding-DNA position 4849, C replaced by T.
Protein change: p.His1617Tyr; replaces histidine 1617 with tyrosine.
Molecular consequence: missense variant.
Genome position (GRCh38, 1-based): chr16:1,213,851, C>T. VCF-style: chr16-1213851-C-T. GRCh37 (hg19) VCF-style: chr16-1263851-C-T.
Other names: c.4831C>T, p.His1611Tyr (NM_001005407.2); short protein forms H1617Y, H1611Y.
Identifiers: ClinVar variation 969896 (VCV000969896.9), dbSNP rs776165690, ClinGen allele CA7801642.